The following is an entry in ClinVar:

ClinVar aggregate classification (germline): Likely pathogenic (1 of 4 stars; one submission).

Conditions:
Cohen syndrome (COH1). Also called: PEPPER SYNDROME; Cutis verticis gyrata, retinitis pigmentosa, and sensorineural deafness. Identifiers: Orphanet 193, MedGen C0265223, MONDO:0008999, OMIM 216550.

Submission:

Natera, Inc.
Classification: Likely pathogenic for Cohen syndrome. Last evaluated: 2024-09-19. Review status: criteria provided, single submitter. Criteria: Natera Variant Classification Schema (03/2026). Collection method: clinical testing. Allele origin: germline.
Comment: The c.10009G>T variant in VPS13B is a nonsense variant predicted to introduce a stop codon at amino acid 3337. This variant is expected to result in nonsense mediated decay, truncation, or a dysfunctional protein product. This variant is rare in the general population with a frequency below the threshold expected for the associated phenotype(s). Given the available evidence, this variant is classified as Likely Pathogenic.

NM_152564.5(VPS13B):c.9934G>T (p.Gly3312Ter)

Gene: VPS13B (vacuolar protein sorting 13 homolog B; plus strand). Cytogenetic location: 8q22.2.
Variant type: single nucleotide variant.
Coding change: c.9934G>T on transcript NM_152564.5 (MANE Select); coding-DNA position 9934, G replaced by T.
Protein change: p.Gly3312Ter; replaces glycine 3312 with a stop codon.
Molecular consequence: nonsense.
Genome position (GRCh38, 1-based): chr8:99,835,730, G>T. VCF-style: chr8-99835730-G-T. GRCh37 (hg19) VCF-style: chr8-100847958-G-T.
Other names: c.10009G>T, p.Gly3337Ter (NM_017890.5); short protein forms G3312*, G3337*.
Identifiers: ClinVar variation 4815918 (VCV004815918.1).